The following is an entry in ClinVar:

ClinVar aggregate classification (germline): Pathogenic/Likely pathogenic. Review status: criteria provided, multiple submitters, no conflicts (2 of 4 stars). 4 submissions from 4 submitters: Pathogenic (3); Likely pathogenic (1). Last evaluated 2025-03-06.

Conditions:
Microcephalic osteodysplastic primordial dwarfism type II (MOPD2). Also called: Microcephalic osteodysplastic primordial dwarfism with tooth abnormalities; MOPD II; OSTEODYSPLASTIC PRIMORDIAL DWARFISM, TYPE II. Identifiers: Orphanet 2637, MedGen C0432246, MONDO:0008872, OMIM 210720.

Submissions (4):

Labcorp Genetics (formerly Invitae), Labcorp
Classification: Pathogenic. Last evaluated: 2025-03-06. Review status: criteria provided, single submitter. Criteria: Invitae Variant Classification Sherloc (09022015). Collection method: clinical testing. Allele origin: germline.
Comment: This sequence change creates a premature translational stop signal (p.Val3179Glyfs*36) in the PCNT gene. It is expected to result in an absent or disrupted protein product. Loss-of-function variants in PCNT are known to be pathogenic (PMID: 18174396, 22821869). This variant is present in population databases (rs747058622, gnomAD 0.02%). This variant has not been reported in the literature in individuals affected with PCNT-related conditions. ClinVar contains an entry for this variant (Variation ID: 279984). For these reasons, this variant has been classified as Pathogenic.

Neuberg Centre For Genomic Medicine, NCGM
Classification: Likely pathogenic for Microcephalic osteodysplastic primordial dwarfism type II. Last evaluated: 2023-06-22. Review status: criteria provided, single submitter. Criteria: ACMG Guidelines, 2015. Collection method: clinical testing. Allele origin: germline. Inheritance: Autosomal recessive inheritance. Affected: yes.
Comment: The frameshift c.9535dup (p.Val3179GlyfsTer36) variant in PCNT gene has been previously reported in compound heterozygous state in two patients affected with Microcephalic osteodysplastic primordial dwarfism (Hettiarachchi D et al. 2022). The p.Val3179GlyfsTer36 variant is present with allele frequency of 0.002% in gnomAD Exomes. This variant has been submitted to the ClinVar database as Pathogenic (multiple submitters). This variant causes a frameshift starting with codon Valine 3179, changes this amino acid to Glycine residue, and creates a premature Stop codon at position 36 of the new reading frame, denoted p.Val3179GlyfsTer36. This variant is predicted to cause loss of normal protein function through protein truncation. loss-of-function is a known mechanism of MPOD II disease cusing (Hettiarachchi D et al. 2022). Functional studies are required to prove the pathogenicity for the variant, for these reasons, this variant has been classified as Likely Pathogenic.

Revvity Omics, Revvity
Classification: Pathogenic for Microcephalic osteodysplastic primordial dwarfism type II. Last evaluated: 2020-02-28. Review status: criteria provided, single submitter. Criteria: ACMG Guidelines, 2015. Collection method: clinical testing. Allele origin: germline.

GeneDx
Classification: Pathogenic. Last evaluated: 2017-05-18. Review status: criteria provided, single submitter. Criteria: GeneDx Variant Classification (06012015). Collection method: clinical testing. Allele origin: germline. Affected: yes.
Comment: The c.9535dupG pathogenic variant in the PCNT gene has not been reported previously as a pathogenic variant nor as a benign variant, to our knowledge. The c.9535dupG variant causes a frameshift starting with codon Valine 3179, changes this amino acid to a Glycine residue, and creates a premature Stop codon at position 36 of the new reading frame, denoted p.Val3179GlyfsX36. This variant is predicted to cause loss of normal protein function either through protein truncation or nonsense-mediated mRNA decay. The c.9535dupG variant was not observed in approximately 6500 individuals of European and African American ancestry in the NHLBI Exome Sequencing Project, indicating it is not a common benign variant in these populations. Therefore, we interpret c.9535dupG as a pathogenic variant.

Literature cited by the submitters: PubMed 18174396 (cited by Labcorp Genetics (formerly Invitae), Labcorp); PubMed 22821869 (cited by Labcorp Genetics (formerly Invitae), Labcorp).

NM_006031.6(PCNT):c.9535dup (p.Val3179fs)

Gene: PCNT (pericentrin; plus strand). Cytogenetic location: 21q22.3.
Variant type: Duplication.
Coding change: c.9535dup on transcript NM_006031.6 (MANE Select); coding-DNA position 9535, one base duplicated (G; older notation c.9535dupG).
Protein change: p.Val3179fs; shifts the reading frame from valine 3179.
Molecular consequence: frameshift variant.
Genome position (GRCh38, 1-based): chr21:46,440,996, G duplicated; the last of 5 consecutive G bases (chr21:46,440,992-46,440,996); duplicating any one gives the same sequence. VCF-style (leftmost placement, unchanged base first): chr21-46440991-T-TG. GRCh37 (hg19) VCF-style: chr21-47860904-T-TG.
Other names: c.8944dup, p.Val2982fs (NM_001315529.2); c.9535dupG (NM_006031.5); short protein forms V2982fs, V3179fs.
Identifiers: ClinVar variation 279984 (VCV000279984.10), dbSNP rs747058622, ClinGen allele CA10081344.